The following is an entry in ClinVar:

NM_000548.5(TSC2):c.2930G>A (p.Cys977Tyr)

Gene: TSC2 (TSC complex subunit 2; plus strand). Cytogenetic location: 16p13.3.
Variant type: single nucleotide variant.
Coding change: c.2930G>A on transcript NM_000548.5 (MANE Select); coding-DNA position 2930, G replaced by A.
Protein change: p.Cys977Tyr; replaces cysteine 977 with tyrosine.
Molecular consequence: missense variant. On other transcripts: intron variant (9).
Genome position (GRCh38, 1-based): chr16:2,077,690, G>A. VCF-style: chr16-2077690-G-A. GRCh37 (hg19) VCF-style: chr16-2127691-G-A.
Other names: c.2930G>A (NM_000548.3); c.2930G>A, p.Cys977Tyr (NM_001114382.3); c.2837+1105G>A (NM_021055.3, NM_001370405.1, NM_001363528.2 and 2 more transcripts); c.2726+1105G>A (NM_001318827.2); c.2237+1105G>A (NM_001318831.2); c.2690+1105G>A (NM_001318829.2); c.2870+1105G>A (NM_001318832.2); short protein forms C977Y.
Identifiers: ClinVar variation 1001389 (VCV001001389.11), dbSNP rs2089593473, ClinGen allele CA394281388.

ClinVar aggregate classification (germline): Uncertain significance. Review status: criteria provided, multiple submitters, no conflicts (2 of 4 stars). 3 submissions from 3 submitters: Uncertain significance (3). Last evaluated 2023-01-16.

Conditions:
Hereditary cancer-predisposing syndrome. Also called: Hereditary neoplastic syndrome; Neoplastic Syndromes, Hereditary; Tumor predisposition; Hereditary Cancer Syndrome. Identifiers: Orphanet 140162, MedGen C0027672, MeSH D009386, MONDO:0015356.
Tuberous sclerosis 2 (TSC2). Identifiers: Orphanet 805, MedGen C1860707, MONDO:0013199, OMIM 613254.

Submissions (3):

Ambry Genetics
Classification: Uncertain significance for Hereditary cancer-predisposing syndrome. Last evaluated: 2023-01-16. Review status: criteria provided, single submitter. Criteria: Ambry Variant Classification Scheme 2023. Collection method: clinical testing. Allele origin: germline.
Comment: The p.C977Y variant (also known as c.2930G>A), located in coding exon 25 of the TSC2 gene, results from a G to A substitution at nucleotide position 2930. The cysteine at codon 977 is replaced by tyrosine, an amino acid with highly dissimilar properties. This amino acid position is conserved. In addition, the in silico prediction for this alteration is inconclusive. Since supporting evidence is limited at this time, the clinical significance of this alteration remains unclear.

GeneDx
Classification: Uncertain significance. Last evaluated: 2022-08-09. Review status: criteria provided, single submitter. Criteria: GeneDx Variant Classification Process June 2021. Collection method: clinical testing. Allele origin: germline. Affected: yes.
Comment: Not observed at significant frequency in large population cohorts (gnomAD); In silico analysis supports that this missense variant does not alter protein structure/function; Has not been previously published as pathogenic or benign to our knowledge; In silico analysis suggests this variant may impact gene splicing. In the absence of RNA/functional studies, the actual effect of this sequence change is unknown.

Labcorp Genetics (formerly Invitae), Labcorp
Classification: Uncertain significance for Tuberous sclerosis 2. Last evaluated: 2020-09-15. Review status: criteria provided, single submitter. Criteria: Invitae Variant Classification Sherloc (09022015). Collection method: clinical testing. Allele origin: germline.
Comment: This variant is not present in population databases (ExAC no frequency). This sequence change replaces cysteine with tyrosine at codon 977 of the TSC2 protein (p.Cys977Tyr). The cysteine residue is weakly conserved and there is a large physicochemical difference between cysteine and tyrosine. This variant has not been reported in the literature in individuals with TSC2-related conditions. In summary, the available evidence is currently insufficient to determine the role of this variant in disease. Therefore, it has been classified as a Variant of Uncertain Significance. Advanced modeling of protein sequence and biophysical properties (such as structural, functional, and spatial information, amino acid conservation, physicochemical variation, residue mobility, and thermodynamic stability) performed at Invitae indicates that this missense variant is not expected to disrupt TSC2 protein function.